The following is an entry in ClinVar:

ClinVar aggregate classification (germline): Uncertain significance. Review status: criteria provided, multiple submitters, no conflicts (2 of 4 stars). 2 submissions from 2 submitters: Uncertain significance (2). Last evaluated 2024-11-11.

Conditions:
Oto-palato-digital syndrome, type II (OPD2). Also called: FACIOPALATOOSSEOUS SYNDROME; OPD II SYNDROME; Otopalatodigital Syndrome, Type II; Otopalatodigital Syndrome Type 2 (FLNA-OPD2). Identifiers: Orphanet 669, Orphanet 90652, MedGen C1844696, MONDO:0010571, OMIM 304120.
Frontometaphyseal dysplasia (FMD1). Identifiers: Orphanet 1826, MedGen C0265293, MONDO:0015942.
Melnick-Needles syndrome (MNS). Also called: MELNICK-NEEDLES OSTEODYSPLASTY; OSTEODYSPLASTY OF MELNICK AND NEEDLES; Melnick-Needles Syndrome (FLNA-MNS). Identifiers: Orphanet 2484, MedGen C0025237, MONDO:0010650, OMIM 309350.
Heterotopia, periventricular, X-linked dominant (PVNH1). Also called: PERIVENTRICULAR NODULAR HETEROTOPIA 1; PERIVENTRICULAR NODULAR HETEROTOPIA 4; HETEROTOPIA, PERIVENTRICULAR, 1; X-linked periventricular heterotopia. Identifiers: Orphanet 2149, Orphanet 82004, MedGen C1848213, MONDO:0010233, OMIM 300049.

Submissions (2):

Labcorp Genetics (formerly Invitae), Labcorp
Classification: Uncertain significance for Oto-palato-digital syndrome, type II; Heterotopia, periventricular, X-linked dominant; Frontometaphyseal dysplasia; Melnick-Needles syndrome. Last evaluated: 2024-11-11. Review status: criteria provided, single submitter. Criteria: Invitae Variant Classification Sherloc (09022015). Collection method: clinical testing. Allele origin: germline.
Comment: This sequence change replaces alanine, which is neutral and non-polar, with threonine, which is neutral and polar, at codon 661 of the FLNA protein (p.Ala661Thr). This variant is not present in population databases (gnomAD no frequency). This variant has not been reported in the literature in individuals affected with FLNA-related conditions. ClinVar contains an entry for this variant (Variation ID: 2055145). Invitae Evidence Modeling of protein sequence and biophysical properties (such as structural, functional, and spatial information, amino acid conservation, physicochemical variation, residue mobility, and thermodynamic stability) has been performed for this missense variant. However, the output from this modeling did not meet the statistical confidence thresholds required to predict the impact of this variant on FLNA protein function. In summary, the available evidence is currently insufficient to determine the role of this variant in disease. Therefore, it has been classified as a Variant of Uncertain Significance.

GeneDx
Classification: Uncertain significance. Last evaluated: 2022-09-07. Review status: criteria provided, single submitter. Criteria: GeneDx Variant Classification Process June 2021. Collection method: clinical testing. Allele origin: germline. Affected: yes.
Comment: Not observed at significant frequency in large population cohorts (gnomAD); In silico analysis supports that this missense variant has a deleterious effect on protein structure/function; Has not been previously published as pathogenic or benign to our knowledge

NM_001110556.2(FLNA):c.1981G>A (p.Ala661Thr)

Gene: FLNA (filamin A; minus strand). Cytogenetic location: Xq28.
Variant type: single nucleotide variant.
Coding change: c.1981G>A on transcript NM_001110556.2 (MANE Select); coding-DNA position 1981, G replaced by A.
Protein change: p.Ala661Thr; replaces alanine 661 with threonine.
Molecular consequence: missense variant.
Genome position (GRCh38, 1-based): chrX:154,364,567, C>T on the plus strand (G>A on the coding strand, the complement: FLNA is on the minus strand). VCF-style: chrX-154364567-C-T. GRCh37 (hg19) VCF-style: chrX-153592935-C-T.
Other names: c.1981G>A (NM_001456.3); c.1981G>A, p.Ala661Thr (NM_001456.4); short protein forms A661T.
Identifiers: ClinVar variation 2055145 (VCV002055145.5), dbSNP rs2522754597, ClinGen allele CA415241297.
Genomic context (GRCh38, chrX:154,364,567, plus strand): 5'-ATCACAGCCTGCTCTTTACCCTGTCTGGGTGGAAGTCCTGGGGCGCGTCACGGATGTCAG[C>T]CATGAAGGGGCTGAGGCGGATGTCTTCGCTGTTGCACAGCACGTGAACGGCATACTCGCC-3'
Protein context (NP_001104026.1, residues 651-671): SEDIRLSPFM[Ala661Thr]DIRDAPQDFH